The following is an entry in ClinVar:

NM_002474.3(MYH11):c.3342G>C (p.Arg1114=)

Gene: MYH11 (myosin heavy chain 11; minus strand). Cytogenetic location: 16p13.11.
Variant type: single nucleotide variant.
Coding change: c.3342G>C on transcript NM_002474.3 (MANE Select); coding-DNA position 3342, G replaced by C.
Protein change: p.Arg1114=; no amino-acid change (arginine 1114 retained).
Molecular consequence: synonymous variant.
Genome position (GRCh38, 1-based): chr16:15,735,530, C>G on the plus strand (G>C on the coding strand, the complement: MYH11 is on the minus strand). VCF-style: chr16-15735530-C-G. GRCh37 (hg19) VCF-style: chr16-15829387-C-G.
Other names: c.3363G>C, p.Arg1121= (NM_001040113.2, NM_001040114.2); c.3342G>C, p.Arg1114= (NM_022844.3).
Identifiers: ClinVar variation 918698 (VCV000918698.8), dbSNP rs781053281, ClinGen allele CA7922011.

ClinVar aggregate classification (germline): Likely benign. Review status: criteria provided, multiple submitters, no conflicts (2 of 4 stars). 4 submissions from 4 submitters: Likely benign (4). Last evaluated 2025-12-17.

Conditions:
Familial thoracic aortic aneurysm and aortic dissection (TAAD). Also called: Thoracic aortic aneurysms and dissections. Identifiers: Orphanet 91387, MedGen C4707243, MONDO:0019625.
Aortic aneurysm, familial thoracic 4 (AAT4). Also called: AORTIC ANEURYSM/AORTIC DISSECTION AND PATENT DUCTUS ARTERIOSUS. Identifiers: MedGen C1851504, MONDO:0007568, OMIM 132900.

Allele frequency attached by ClinVar (database versions not stated): gnomAD exomes below 0.00001 and 0.00001; ExAC 0.00001; gnomAD 0.00002; TOPMed 0.00003.
gnomAD v4.1: 7 of 1,614,058 alleles (0.00043%); highest among the groups gnomAD compares: African/African-American, 0.0053%; no homozygotes.

Submissions (4):

Labcorp Genetics (formerly Invitae), Labcorp
Classification: Likely benign for Aortic aneurysm, familial thoracic 4. Last evaluated: 2025-12-17. Review status: criteria provided, single submitter. Criteria: Invitae Variant Classification Sherloc (09022015). Collection method: clinical testing. Allele origin: germline.

All of Us Research Program, National Institutes of Health
Classification: Likely benign for Familial thoracic aortic aneurysm and aortic dissection. Last evaluated: 2023-08-15. Review status: criteria provided, single submitter. Criteria: ACMG Guidelines, 2015. Collection method: clinical testing. Allele origin: germline. Inheritance: Autosomal dominant inheritance. Observed: 1 variant allele, 1 heterozygote.
Comment: This study involves interpretation of variants in research participants for the purpose of population health screening. Participant phenotype was not available at the time of variant classification. Additional details can be found in publication PMID: 35346344, PMCID: PMC8962531

Ambry Genetics
Classification: Likely benign for Familial thoracic aortic aneurysm and aortic dissection. Last evaluated: 2022-01-12. Review status: criteria provided, single submitter. Criteria: Ambry Variant Classification Scheme 2023. Collection method: clinical testing. Allele origin: germline.

Color Diagnostics, LLC DBA Color Health
Classification: Likely benign for Familial thoracic aortic aneurysm and aortic dissection. Last evaluated: 2019-05-20. Review status: criteria provided, single submitter. Criteria: ACMG Guidelines, 2015. Collection method: clinical testing. Allele origin: germline.